The following is an entry in ClinVar:

NM_007294.4(BRCA1):c.5100A>G (p.Thr1700=)

Gene: BRCA1 (BRCA1 DNA repair associated; minus strand). Cytogenetic location: 17q21.31.
Variant type: single nucleotide variant.
Coding change: c.5100A>G on transcript NM_007294.4 (MANE Select); coding-DNA position 5100, A replaced by G.
Protein change: p.Thr1700=; no amino-acid change (threonine 1700 retained).
Molecular consequence: synonymous variant. On other transcripts: intron variant (2).
Genome position (GRCh38, 1-based): chr17:43,063,926, T>C on the plus strand (A>G on the coding strand, the complement: BRCA1 is on the minus strand). VCF-style: chr17-43063926-T-C. GRCh37 (hg19) VCF-style: chr17-41215943-T-C.
Other names: c.4884A>G, p.Thr1628= (NM_001407916.1, NM_001407917.1, NM_001407918.1 and 1 more transcripts); c.4977A>G, p.Thr1659= (NM_001407919.1, NM_001407937.1, NM_001407938.1 and 6 more transcripts); c.4836A>G, p.Thr1612= (NM_001407920.1, NM_001407921.1, NM_001407922.1 and 4 more transcripts); c.4833A>G, p.Thr1611= (NM_001407927.1, NM_001407928.1, NM_001407929.1 and 4 more transcripts); c.4830A>G, p.Thr1610= (NM_001407934.1, NM_001407935.1, NM_001407936.1); c.4974A>G, p.Thr1658= (NM_001407939.1, NM_001407940.1, NM_001407670.1 and 10 more transcripts); c.4971A>G, p.Thr1657= (NM_001407941.1, NM_001407681.1, NM_001407682.1 and 6 more transcripts); c.4959A>G, p.Thr1653= (NM_001407942.1, NM_007297.4, NM_001407692.1 and 13 more transcripts); and 73 more.
Identifiers: ClinVar variation 184204 (VCV000184204.31), dbSNP rs45519437, ClinGen allele CA003241.

ClinVar aggregate classification (germline): Likely benign. Review status: reviewed by expert panel (3 of 4 stars). 13 submissions from 13 submitters: Likely benign (1). 12 of the submissions do not count toward it. Last evaluated 2017-06-29.

Conditions:
Hereditary breast ovarian cancer syndrome. Also called: Hereditary breast and ovarian cancer syndrome; Hereditary breast and ovarian cancer syndrome (HBOC); BRCA1- and BRCA2-Associated Hereditary Breast and Ovarian Cancer; Breast and ovarian cancer; Hereditary breast and ovarian cancer; Hereditary breast and/or ovarian cancer syndrome. Identifiers: Orphanet 145, MedGen C0677776, MeSH D061325, MONDO:0003582. Disease mechanism: loss of function.
Hereditary cancer-predisposing syndrome. Also called: Hereditary Cancer Syndrome; Hereditary neoplastic syndrome; Tumor predisposition; Neoplastic Syndromes, Hereditary. Identifiers: Orphanet 140162, MedGen C0027672, MeSH D009386, MONDO:0015356.
Breast-ovarian cancer, familial, susceptibility to, 1 (BROVCA1). Also called: OVARIAN CANCER, SUSCEPTIBILITY TO; BRCA1 Hereditary Breast and Ovarian Cancer. Identifiers: Orphanet 145, MedGen C2676676, MONDO:0011450, OMIM 604370. Disease mechanism: loss of function.
Malignant tumor of breast. Also called: Malignant breast neoplasm; Cancer breast. Identifiers: MedGen C0006142, MONDO:0007254. Disease mechanism: loss of function.

Allele frequency attached by ClinVar (database versions not stated): gnomAD 0.00001; ExAC 0.00002; gnomAD exomes 0.00002; TOPMed 0.00002; ESP Exome Variant Server 0.00008.
gnomAD v4.1: 33 of 1,613,968 alleles (0.002%); highest among the groups gnomAD compares: Middle Eastern, 0.016%; no homozygotes.

Submissions (14):

Evidence-based Network for the Interpretation of Germline Mutant Alleles (ENIGMA)
Classification: Likely benign for Breast-ovarian cancer, familial, susceptibility to, 1. Last evaluated: 2017-06-29. Review status: reviewed by expert panel. Criteria: ENIGMA BRCA1/2 Classification Criteria (2017-06-29). Collection method: curation. Allele origin: germline.
Comment: Synonymous substitution variant, with low bioinformatic likelihood to result in a splicing aberration (Splicing prior probability 0.02).

Labcorp Genetics (formerly Invitae), Labcorp
Classification: Likely benign for Hereditary breast ovarian cancer syndrome. Last evaluated: 2025-12-24. Review status: criteria provided, single submitter. Criteria: Invitae Variant Classification Sherloc (09022015). Collection method: clinical testing. Allele origin: germline. Not counted in ClinVar's aggregate classification.

Quest Diagnostics Nichols Institute San Juan Capistrano
Classification: Likely benign. Last evaluated: 2025-10-17. Review status: criteria provided, single submitter. Criteria: Quest Diagnostics criteria. Collection method: clinical testing. Allele origin: unknown. Not counted in ClinVar's aggregate classification.

Molecular Diagnostics Laboratory, Catalan Institute of Oncology
Classification: Likely benign for Hereditary cancer-predisposing syndrome. Last evaluated: 2025-07-10. Review status: criteria provided, single submitter. Criteria: ClinGen BRCA1BRCA2 ACMG Specifications BRCA1 V1.0.0. Collection method: clinical testing. Allele origin: germline. Not counted in ClinVar's aggregate classification.
Comment: BS3, BP4, BP7 c.5100A>G, located in exon 17 of the BRCA1 gene, is predicted to result in no splicing alteration (according to SpliceAI) and no amino acid change, p.(Thr1700=) (BP4, BP7). This variant is found in 6/268205 alleles at a frequency of 0.0022% in the gnomAD v2.1.1 database, non-cancer dataset. Silent variant, functional data considered only from assays that measure effect via mRNA and protein. Reported by one calibrated study incorporating mRNA splicing effects to affect function similar to benign control variants (PMID:30209399) (BS3).To our knowledge, neither relevant clinical data nor multifactorial analysis have been reported for this variant. In addition, It was also identified in the following databases: BRCA Exchange (Likely benign), ClinVar (1x likely benign) and LOVD (1x as uncertain significance, 1x benign). Based on the currently available information, c.5100A>G is classified as a likely benign variant according to ClinGen-BRCA1 Guidelines v.1.0.0.MAF=0.0001 -> VSD (18/04/2016)

ARUP Laboratories, Molecular Genetics and Genomics, ARUP Laboratories
Classification: Likely benign. Last evaluated: 2025-05-12. Review status: criteria provided, single submitter. Criteria: ARUP Molecular Germline Variant Investigation Process 2024. Collection method: clinical testing. Allele origin: germline. Not counted in ClinVar's aggregate classification.

Women's Health and Genetics/Laboratory Corporation of America, LabCorp
Classification: Likely benign. Last evaluated: 2024-12-06. Review status: criteria provided, single submitter. Criteria: LabCorp Variant Classification Summary - May 2015. Collection method: clinical testing. Allele origin: germline. Not counted in ClinVar's aggregate classification.

All of Us Research Program, National Institutes of Health
Classification: Likely benign for Breast-ovarian cancer, familial, susceptibility to, 1. Last evaluated: 2024-02-05. Review status: criteria provided, single submitter. Criteria: ACMG Guidelines, 2015. Collection method: clinical testing. Allele origin: germline. Inheritance: Autosomal dominant inheritance. Observed: 4 variant alleles, 4 heterozygotes. Not counted in ClinVar's aggregate classification.
Comment: This study involves interpretation of variants in research participants for the purpose of population health screening. Participant phenotype was not available at the time of variant classification. Additional details can be found in publication PMID: 35346344, PMCID: PMC8962531

Blueprint Genetics
Classification: Likely benign. Last evaluated: 2023-10-27. Review status: criteria provided, single submitter. Criteria: ACMG Guidelines, 2015. Collection method: clinical testing. Allele origin: germline. Not counted in ClinVar's aggregate classification.

Sema4
Classification: Likely benign for Hereditary cancer-predisposing syndrome. Last evaluated: 2021-10-07. Review status: criteria provided, single submitter. Criteria: Sema4 Curation Guidelines. Collection method: curation. Allele origin: germline. Not counted in ClinVar's aggregate classification.

Color Diagnostics, LLC DBA Color Health
Classification: Likely benign for Hereditary cancer-predisposing syndrome. Last evaluated: 2015-12-02. Review status: criteria provided, single submitter. Criteria: ACMG Guidelines, 2015. Collection method: clinical testing. Allele origin: germline. Not counted in ClinVar's aggregate classification.

GeneDx
Classification: Benign. Last evaluated: 2015-04-27. Review status: criteria provided, single submitter. Criteria: GeneDx Variant Classification (06012015). Collection method: clinical testing. Allele origin: germline. Affected: yes. Not counted in ClinVar's aggregate classification.
Comment: This variant is considered likely benign or benign based on one or more of the following criteria: it is a conservative change, it occurs at a poorly conserved position in the protein, it is predicted to be benign by multiple in silico algorithms, and/or has population frequency not consistent with disease.

Ambry Genetics
Classification: Likely benign for Hereditary cancer-predisposing syndrome. Last evaluated: 2014-12-09. Review status: criteria provided, single submitter. Criteria: Ambry Variant Classification Scheme 2023. Collection method: clinical testing. Allele origin: germline. Not counted in ClinVar's aggregate classification.

Brotman Baty Institute, University of Washington
No classification provided (evidence only). Condition: Breast-ovarian cancer, familial 1. Review status: no classification provided. Collection method: in vitro. Allele origin: not applicable. Functional consequence: functionally_normal. Not counted in ClinVar's aggregate classification.
ClinVar note: "not provided" was previously submitted as the classification for the variant. However, the classification appeared to be based only on an observation of functional data so it was converted to no classification on 2025-07-30.

Department of Pathology and Laboratory Medicine, Sinai Health System
Classification: Likely benign for Malignant tumor of breast. Review status: no assertion criteria provided. Collection method: clinical testing. Allele origin: unknown. Affected: yes. Study: The Canadian Open Genetics Repository (COGR). Not counted in ClinVar's aggregate classification.
Comment: The p.Thr1700Thr variant is not expected to have clinical significance because it does not alter an amino acid residue and is not located near a splice junction. It has not been previously identified by our laboratory, but has been reported in the literature in a study involving 55,630 probands (frequency was not provided) from families with familiar breast and ovarian cancers, and classified as a variant of benign significance. In addition, no control chromosomes were tested to establish the frequency of the variant in the general population (Judkins 2005). This variant is listed in the dbSNP database (ID#:rs45519437) but no frequency information was provided, and so the prevalence of this variant in the population is not known. The variant was also identified in the UMD database (2x) and once in the presence of a second unclassified variant, although this does not provide any additional clarification as to the clinical significance of this variant. In summary, based on the above information, this variant is predicted benign.

Literature cited by the submitters: PubMed 16267036 (cited by 3 submitters); PubMed 30209399 (cited by Quest Diagnostics Nichols Institute San Juan Capistrano and Sema4); PubMed 25141179 (cited by Women's Health and Genetics/Laboratory Corporation of America, LabCorp).